The following is an entry in ClinVar:

ClinVar aggregate classification (germline): Uncertain significance (1 of 4 stars; one submission).

Conditions:
Peroxisome biogenesis disorder. Identifiers: Orphanet 79189, MedGen C1832200, MONDO:0019234. Disease mechanism: loss of function.

Submission:

Labcorp Genetics (formerly Invitae), Labcorp
Classification: Uncertain significance for Peroxisome biogenesis disorder. Last evaluated: 2023-10-03. Review status: criteria provided, single submitter. Criteria: Invitae Variant Classification Sherloc (09022015). Collection method: clinical testing. Allele origin: germline.
Comment: This sequence change replaces glutamic acid, which is acidic and polar, with lysine, which is basic and polar, at codon 949 of the PEX6 protein (p.Glu949Lys). This variant is not present in population databases (gnomAD no frequency). This variant has not been reported in the literature in individuals affected with PEX6-related conditions. ClinVar contains an entry for this variant (Variation ID: 2116121). Advanced modeling of protein sequence and biophysical properties (such as structural, functional, and spatial information, amino acid conservation, physicochemical variation, residue mobility, and thermodynamic stability) performed at Invitae indicates that this missense variant is not expected to disrupt PEX6 protein function. In summary, the available evidence is currently insufficient to determine the role of this variant in disease. Therefore, it has been classified as a Variant of Uncertain Significance.

NM_000287.4(PEX6):c.2845G>A (p.Glu949Lys)

Gene: PEX6 (peroxisomal biogenesis factor 6; minus strand). Cytogenetic location: 6p21.1.
Variant type: single nucleotide variant.
Coding change: c.2845G>A on transcript NM_000287.4 (MANE Select); coding-DNA position 2845, G replaced by A.
Protein change: p.Glu949Lys; replaces glutamic acid 949 with lysine.
Molecular consequence: missense variant. On other transcripts: non-coding transcript variant (1).
Genome position (GRCh38, 1-based): chr6:42,964,433, C>T on the plus strand (G>A on the coding strand, the complement: PEX6 is on the minus strand). VCF-style: chr6-42964433-C-T. GRCh37 (hg19) VCF-style: chr6-42932171-C-T.
Other names: c.2581G>A, p.Glu861Lys (NM_001316313.2); short protein forms E861K, E949K.
Identifiers: ClinVar variation 2116121 (VCV002116121.4), dbSNP rs2481193163, ClinGen allele CA364149965.